The following is an entry in ClinVar:

ClinVar aggregate classification (germline): Likely benign (1 of 4 stars; one submission).

gnomAD v4.1: 222 of 1,568,428 alleles (0.014%); highest among the groups gnomAD compares: African/African-American, 0.14%; no homozygotes.

Submission:

CeGaT Center for Human Genetics Tuebingen
Classification: Likely benign. Last evaluated: 2026-07-01. Review status: criteria provided, single submitter. Criteria: CeGaT Center For Human Genetics Tuebingen Variant Classification Criteria Version 2. Collection method: clinical testing. Allele origin: germline. Affected: yes. Observed: 1 variant allele.
Comment: PRTN3: BP4, BP7

NM_002777.4(PRTN3):c.570C>T (p.Phe190=)

Gene: PRTN3 (proteinase 3; plus strand). Cytogenetic location: 19p13.3.
Variant type: single nucleotide variant.
Coding change: c.570C>T on transcript NM_002777.4 (MANE Select); coding-DNA position 570, C replaced by T.
Protein change: p.Phe190=; no amino-acid change (phenylalanine 190 retained).
Molecular consequence: synonymous variant.
Genome position (GRCh38, 1-based): chr19:846,347, C>T. VCF-style: chr19-846347-C-T. GRCh37 (hg19) VCF-style: chr19-846347-C-T.
Identifiers: ClinVar variation 5039015 (VCV005039015.1).